The following is an entry in ClinVar:

NM_177438.3(DICER1):c.5071T>C (p.Ser1691Pro)

Gene: DICER1 (dicer 1, ribonuclease III; minus strand). Cytogenetic location: 14q32.13.
Variant type: single nucleotide variant.
Coding change: c.5071T>C on transcript NM_177438.3 (MANE Select); coding-DNA position 5071, T replaced by C.
Protein change: p.Ser1691Pro; replaces serine 1691 with proline.
Molecular consequence: missense variant. On other transcripts: non-coding transcript variant (6).
Genome position (GRCh38, 1-based): chr14:95,095,849, A>G on the plus strand (T>C on the coding strand, the complement: DICER1 is on the minus strand). VCF-style: chr14-95095849-A-G. GRCh37 (hg19) VCF-style: chr14-95562186-A-G.
Other names: c.5071T>C, p.Ser1691Pro (NM_001195573.1, NM_001271282.3, NM_001291628.2 and 12 more transcripts); c.4789T>C, p.Ser1597Pro (NM_001395686.1); c.4666T>C, p.Ser1556Pro (NM_001395687.1, NM_001395688.1, NM_001395689.1 and 2 more transcripts); c.4504T>C, p.Ser1502Pro (NM_001395691.1); c.3388T>C, p.Ser1130Pro (NM_001395697.1); short protein forms S1556P, S1691P, S1130P, S1502P, S1597P.
Identifiers: ClinVar variation 4011617 (VCV004011617.1).

ClinVar aggregate classification (germline): Uncertain significance (1 of 4 stars; one submission).

Conditions:
Hereditary cancer-predisposing syndrome. Also called: Tumor predisposition; Hereditary neoplastic syndrome; Neoplastic Syndromes, Hereditary; Hereditary Cancer Syndrome. Identifiers: Orphanet 140162, MedGen C0027672, MeSH D009386, MONDO:0015356.

Submission:

Ambry Genetics
Classification: Uncertain significance for Hereditary cancer-predisposing syndrome. Last evaluated: 2025-04-06. Review status: criteria provided, single submitter. Criteria: Ambry Variant Classification Scheme 2023. Collection method: clinical testing. Allele origin: germline.
Comment: The p.S1691P variant (also known as c.5071T>C), located in coding exon 22 of the DICER1 gene, results from a T to C substitution at nucleotide position 5071. The serine at codon 1691 is replaced by proline, an amino acid with similar properties. This amino acid position is conserved. In addition, this alteration is predicted to be deleterious by in silico analysis. Based on the available evidence, the clinical significance of this variant remains unclear.